The following is an entry in ClinVar:

ClinVar aggregate classification (germline): Uncertain significance (1 of 4 stars; one submission).

Conditions:
Amelocerebrohypohidrotic syndrome (KTZS). Also called: Kohlschutter's syndrome; EPILEPSY AND YELLOW TEETH; EPILEPSY, DEMENTIA, AND AMELOGENESIS IMPERFECTA; KOHLSCHUTTER SYNDROME. Identifiers: Orphanet 1946, MedGen C0406740, MONDO:0009185, OMIM 226750.

Submission:

Labcorp Genetics (formerly Invitae), Labcorp
Classification: Uncertain significance for Amelocerebrohypohidrotic syndrome. Last evaluated: 2021-08-18. Review status: criteria provided, single submitter. Criteria: Invitae Variant Classification Sherloc (09022015). Collection method: clinical testing. Allele origin: germline.
Comment: In summary, the available evidence is currently insufficient to determine the role of this variant in disease. Therefore, it has been classified as a Variant of Uncertain Significance. Algorithms developed to predict the effect of missense changes on protein structure and function output the following: SIFT: "Tolerated"; PolyPhen-2: "Benign"; Align-GVGD: "Class C0". The alanine amino acid residue is found in multiple mammalian species, suggesting that this missense change does not adversely affect protein function. These predictions have not been confirmed by published functional studies and their clinical significance is uncertain. This variant has not been reported in the literature in individuals with ROGDI-related conditions. This variant is not present in population databases (ExAC no frequency). This sequence change replaces proline with alanine at codon 286 of the ROGDI protein (p.Pro286Ala). The proline residue is highly conserved and there is a small physicochemical difference between proline and alanine.

NM_024589.3(ROGDI):c.856C>G (p.Pro286Ala)

Gene: ROGDI (rogdi atypical leucine zipper; minus strand). Cytogenetic location: 16p13.3.
Variant type: single nucleotide variant.
Coding change: c.856C>G on transcript NM_024589.3 (MANE Select); coding-DNA position 856, C replaced by G.
Protein change: p.Pro286Ala; replaces proline 286 with alanine.
Molecular consequence: missense variant. On other transcripts: non-coding transcript variant (1).
Genome position (GRCh38, 1-based): chr16:4,797,468, G>C on the plus strand (C>G on the coding strand, the complement: ROGDI is on the minus strand). VCF-style: chr16-4797468-G-C. GRCh37 (hg19) VCF-style: chr16-4847469-G-C.
Other names: short protein forms P286A.
Identifiers: ClinVar variation 1034680 (VCV001034680.8), dbSNP rs2082664303, ClinGen allele CA394647317.
Genomic context (GRCh38, chr16:4,797,468, plus strand): 5'-ATGAGTAGGGGACGGGGCCGCCTTCCTGGAGACAAGCTCCTGGGTGCTGTGATCAGAAGG[G>C]TCTGTAGCTCCAGTAGCTGGAGAACACGGAGATCTGCAAGGGGAGAGGGTGCTGTAGGTT-3'
Protein context (NP_078865.1, residues 276-287): SVFSSYWSYR[Pro286Ala]F